The following is an entry in ClinVar:

ClinVar aggregate classification (germline): Uncertain significance (1 of 4 stars; one submission).

Conditions:
Cobblestone lissencephaly without muscular or ocular involvement. Also called: LEUKOENCEPHALOPATHY WITH VARIABLE CORTICAL BRAIN MALFORMATIONS AND/OR HYDROCEPHALUS; Lissencephaly 5. Identifiers: Orphanet 352682, MedGen C3554657, MONDO:0014077, OMIM 615191.

gnomAD v4.1: 29 of 1,613,958 alleles (0.0018%); highest among the groups gnomAD compares: East Asian, 0.058%; 1 homozygote.

Submission:

Juno Genomics, Hangzhou Juno Genomics, Inc
Classification: Uncertain significance for Cobblestone lissencephaly without muscular or ocular involvement. Review status: criteria provided, single submitter. Criteria: ACMG Guidelines, 2015. Collection method: clinical testing. Allele origin: germline.
Comment: Absent from controls (or at extremely low frequency if recessive) in Genome Aggregation Database.;Multiple lines of computational evidence support a deleterious effect on the gene or gene product.

NM_002291.3(LAMB1):c.499G>A (p.Ala167Thr)

Gene: LAMB1 (laminin subunit beta 1; minus strand). Cytogenetic location: 7q31.1.
Variant type: single nucleotide variant.
Coding change: c.499G>A on transcript NM_002291.3 (MANE Select); coding-DNA position 499, G replaced by A.
Protein change: p.Ala167Thr; replaces alanine 167 with threonine.
Molecular consequence: missense variant.
Genome position (GRCh38, 1-based): chr7:107,986,288, C>T on the plus strand (G>A on the coding strand, the complement: LAMB1 is on the minus strand). VCF-style: chr7-107986288-C-T. GRCh37 (hg19) VCF-style: chr7-107626733-C-T.
Other names: short protein forms A167T.
Identifiers: ClinVar variation 5007140 (VCV005007140.2).